The following is an entry in ClinVar:

ClinVar aggregate classification (germline): Likely pathogenic (1 of 4 stars; one submission).

Allele frequency attached by ClinVar (database versions not stated): gnomAD exomes 0.00001 and 0.00002; ExAC 0.00004.
gnomAD v4.1: 6 of 1,603,810 alleles (0.00037%); highest among the groups gnomAD compares: Admixed American, 0.0034%; no homozygotes.

Submission:

Labcorp Genetics (formerly Invitae), Labcorp
Classification: Likely pathogenic. Last evaluated: 2022-11-16. Review status: criteria provided, single submitter. Criteria: Invitae Variant Classification Sherloc (09022015). Collection method: clinical testing. Allele origin: germline.
Comment: This variant is present in population databases (rs777114537, gnomAD 0.006%). This sequence change falls in intron 11 of the SLCO2A1 gene. It does not directly change the encoded amino acid sequence of the SLCO2A1 protein. It affects a nucleotide within the consensus splice site. ClinVar contains an entry for this variant (Variation ID: 1364913). In summary, the currently available evidence indicates that the variant is pathogenic, but additional data are needed to prove that conclusively. Therefore, this variant has been classified as Likely Pathogenic. Variants that disrupt the consensus splice site are a relatively common cause of aberrant splicing (PMID: 17576681, 9536098). Algorithms developed to predict the effect of sequence changes on RNA splicing suggest that this variant may create or strengthen a splice site. This variant has been observed in individual(s) with clinical features of primary hypertrophic osteoarthropathy (Invitae). In at least one individual the data is consistent with being in trans (on the opposite chromosome) from a pathogenic variant. It has also been observed to segregate with disease in related individuals.

Literature cited by the submitters: PubMed 17576681; PubMed 9536098.

NM_005630.3(SLCO2A1):c.1625+6T>C

Gene: SLCO2A1 (solute carrier organic anion transporter family member 2A1; minus strand). Cytogenetic location: 3q22.1.
Variant type: single nucleotide variant.
Coding change: c.1625+6T>C on transcript NM_005630.3 (MANE Select); 6 bases into the intron after coding-DNA position 1625, T replaced by C.
Molecular consequence: intron variant.
Genome position (GRCh38, 1-based): chr3:133,942,599, A>G on the plus strand (T>C on the coding strand, the complement: SLCO2A1 is on the minus strand). VCF-style: chr3-133942599-A-G. GRCh37 (hg19) VCF-style: chr3-133661443-A-G.
Identifiers: ClinVar variation 1364913 (VCV001364913.6), dbSNP rs777114537, ClinGen allele CA2626400.